The following is an entry in ClinVar:

ClinVar aggregate classification (germline): Pathogenic/Likely pathogenic. Review status: criteria provided, multiple submitters, no conflicts (2 of 4 stars). 2 submissions from 2 submitters: Pathogenic (1); Likely pathogenic (1). Last evaluated 2024-06-05.

Conditions:
Lethal arthrogryposis-anterior horn cell disease syndrome (CAAHD). Also called: CONGENITAL ARTHROGRYPOSIS WITH ANTERIOR HORN CELL DISEASE. Identifiers: Orphanet 53696, MedGen C5193016, MONDO:0012750, OMIM 611890.
Lethal congenital contracture syndrome 1 (LCCS1). Also called: MULTIPLE CONTRACTURE SYNDROME, FINNISH TYPE. Identifiers: Orphanet 1486, MedGen C1854664, MONDO:0009670, OMIM 253310.

Submissions (2):

Fulgent Genetics
Classification: Likely pathogenic for Lethal congenital contracture syndrome 1; Lethal arthrogryposis-anterior horn cell disease syndrome. Last evaluated: 2024-06-05. Review status: criteria provided, single submitter. Criteria: ACMG Guidelines, 2015. Collection method: clinical testing. Allele origin: germline.

Labcorp Genetics (formerly Invitae), Labcorp
Classification: Pathogenic. Last evaluated: 2022-04-09. Review status: criteria provided, single submitter. Criteria: Invitae Variant Classification Sherloc (09022015). Collection method: clinical testing. Allele origin: germline.
Comment: This sequence change creates a premature translational stop signal (p.Leu402Aspfs*3) in the GLE1 gene. It is expected to result in an absent or disrupted protein product. Loss-of-function variants in GLE1 are known to be pathogenic (PMID: 18204449, 24243016, 27684565). This variant is not present in population databases (gnomAD no frequency). This variant has not been reported in the literature in individuals affected with GLE1-related conditions. For these reasons, this variant has been classified as Pathogenic.

Literature cited by the submitters: PubMed 18204449 (cited by Labcorp Genetics (formerly Invitae), Labcorp); PubMed 24243016 (cited by Labcorp Genetics (formerly Invitae), Labcorp); PubMed 27684565 (cited by Labcorp Genetics (formerly Invitae), Labcorp).

NM_001003722.2(GLE1):c.1203_1204del (p.Leu402fs)

Gene: GLE1 (GLE1 RNA export mediator; plus strand). Cytogenetic location: 9q34.11.
Variant type: Microsatellite.
Coding change: c.1203_1204del on transcript NM_001003722.2 (MANE Select); coding-DNA positions 1203 to 1204, 2 bases deleted (GT; older notation c.1203_1204delGT).
Protein change: p.Leu402fs; shifts the reading frame from leucine 402.
Molecular consequence: frameshift variant.
Genome position (GRCh38, 1-based): chr9:128,527,252-128,527,253, GT deleted; deleting any 2 consecutive bases within chr9:128,527,246-128,527,253 gives the same sequence; the c. name uses the placement nearest the transcript's 3' end. VCF-style (leftmost placement, unchanged base first): chr9-128527245-AGT-A. GRCh37 (hg19) VCF-style: chr9-131289524-AGT-A.
Other names: c.1203_1204del, p.Leu402fs (NM_001499.2); short protein forms L402fs.
Identifiers: ClinVar variation 1454743 (VCV001454743.7), dbSNP rs1026034826, ClinGen allele CA200385012.